The following is an entry in ClinVar:

NM_004722.4(AP4M1):c.1060G>C (p.Ala354Pro)

Gene: AP4M1 (adaptor related protein complex 4 subunit mu 1; plus strand). Cytogenetic location: 7q22.1.
Variant type: single nucleotide variant.
Coding change: c.1060G>C on transcript NM_004722.4 (MANE Select); coding-DNA position 1060, G replaced by C.
Protein change: p.Ala354Pro; replaces alanine 354 with proline.
Molecular consequence: missense variant.
Genome position (GRCh38, 1-based): chr7:100,106,437, G>C. VCF-style: chr7-100106437-G-C. GRCh37 (hg19) VCF-style: chr7-99704060-G-C.
Other names: c.1081G>C, p.Ala361Pro (NM_001363671.2); short protein forms A354P, A361P.
Identifiers: ClinVar variation 856180 (VCV000856180.7), dbSNP rs201015648, ClinGen allele CA4374960.

ClinVar aggregate classification (germline): Uncertain significance. Review status: criteria provided, multiple submitters, no conflicts (2 of 4 stars). 3 submissions from 3 submitters: Uncertain significance (3). Last evaluated 2026-02-08.

Conditions:
Hereditary spastic paraplegia 50 (SPG50). Also called: Spastic paraplegia 50, autosomal recessive. Identifiers: Orphanet 280763, MedGen C2752008, MONDO:0013048, OMIM 612936.

Allele frequency attached by ClinVar (database versions not stated): gnomAD 0.00004; TOPMed 0.00005; gnomAD exomes 0.00014; ESP Exome Variant Server 0.00015; ExAC 0.00026.
gnomAD v4.1: 201 of 1,613,756 alleles (0.012%); highest among the groups gnomAD compares: Non-Finnish European, 0.016%; no homozygotes.

Submissions (3):

GeneDx
Classification: Uncertain significance. Last evaluated: 2026-02-08. Review status: criteria provided, single submitter. Criteria: GeneDx Variant Classification Process June 2021. Collection method: clinical testing. Allele origin: germline.
Comment: In silico analysis suggests that this missense variant does not alter protein structure/function; This variant is associated with the following publications: (PMID: 36066546)

Blueprint Genetics
Classification: Uncertain significance. Last evaluated: 2024-04-10. Review status: criteria provided, single submitter. Criteria: ACMG Guidelines, 2015. Collection method: clinical testing. Allele origin: germline.

Labcorp Genetics (formerly Invitae), Labcorp
Classification: Uncertain significance for Hereditary spastic paraplegia 50. Last evaluated: 2021-12-15. Review status: criteria provided, single submitter. Criteria: Invitae Variant Classification Sherloc (09022015). Collection method: clinical testing. Allele origin: germline.
Comment: This sequence change replaces alanine, which is neutral and non-polar, with proline, which is neutral and non-polar, at codon 354 of the AP4M1 protein (p.Ala354Pro). This variant is present in population databases (rs201015648, gnomAD 0.03%). This variant has not been reported in the literature in individuals affected with AP4M1-related conditions. ClinVar contains an entry for this variant (Variation ID: 856180). Algorithms developed to predict the effect of missense changes on protein structure and function are either unavailable or do not agree on the potential impact of this missense change (SIFT: "Deleterious"; PolyPhen-2: "Probably Damaging"; Align-GVGD: "Class C0"). In summary, the available evidence is currently insufficient to determine the role of this variant in disease. Therefore, it has been classified as a Variant of Uncertain Significance.